The following is an entry in ClinVar:

NM_032242.4(PLXNA1):c.4654G>A (p.Ala1552Thr)

Gene: PLXNA1 (plexin A1; plus strand). Cytogenetic location: 3q21.3.
Variant type: single nucleotide variant.
Coding change: c.4654G>A on transcript NM_032242.4 (MANE Select); coding-DNA position 4654, G replaced by A.
Protein change: p.Ala1552Thr; replaces alanine 1552 with threonine.
Molecular consequence: missense variant.
Genome position (GRCh38, 1-based): chr3:127,028,325, G>A. VCF-style: chr3-127028325-G-A. GRCh37 (hg19) VCF-style: chr3-126747168-G-A.
Other names: short protein forms A1552T.
Identifiers: ClinVar variation 2635889 (VCV002635889.3), dbSNP rs768630722, ClinGen allele CA2594427.
Genomic context (GRCh38, chr3:127,028,325, plus strand): 5'-AAGGAGAAGCTGCTGGACGCTGCCTACAAGGGCGTGCCCTACTCCCAGCGGCCCAAGGCC[G>A]CGGACATGGACCTGGGTGAGCGGGCGGGGCCACGGCTGCCCGGGGTGTGTGCTGGAGCAG-3'
Protein context (NP_115618.3, residues 1542-1562): GVPYSQRPKA[Ala1552Thr]DMDLEWRQGR

ClinVar aggregate classification (germline): Uncertain significance. Review status: criteria provided, single submitter (1 of 4 stars). 2 submissions from 2 submitters: Uncertain significance (1). 1 of the submissions does not count toward it. Last evaluated 2025-09-22.

Conditions:
PLXNA1-related disorder. Also called: PLXNA1-related condition.

Allele frequency attached by ClinVar (database versions not stated): ExAC 0.00004.
gnomAD v4.1: 34 of 1,611,370 alleles (0.0021%); highest among the groups gnomAD compares: Admixed American, 0.017%; no homozygotes.

Submissions (2):

Ambry Genetics
Classification: Uncertain significance. Last evaluated: 2025-09-22. Review status: criteria provided, single submitter. Criteria: Ambry Variant Classification Scheme 2023. Collection method: clinical testing. Allele origin: germline.

PreventionGenetics, part of Exact Sciences
Classification: Uncertain significance for PLXNA1-related condition. Last evaluated: 2024-05-02. Review status: no assertion criteria provided. Collection method: clinical testing. Allele origin: germline. Not counted in ClinVar's aggregate classification.
Comment: The PLXNA1 c.4654G>A variant is predicted to result in the amino acid substitution p.Ala1552Thr. To our knowledge, this variant has not been reported in the literature. This variant is reported in 0.014% of alleles in individuals of Latino descent in gnomAD. At this time, the clinical significance of this variant is uncertain due to the absence of conclusive functional and genetic evidence.